The following is an entry in ClinVar:

ClinVar aggregate classification (germline): Uncertain significance. Review status: criteria provided, multiple submitters, no conflicts (2 of 4 stars). 2 submissions from 2 submitters: Uncertain significance (2). Last evaluated 2023-04-24.

Conditions:
Infantile-onset X-linked spinal muscular atrophy. Also called: Spinal muscular atrophy, X-linked 2; SPINAL MUSCULAR ATROPHY, X-LINKED LETHAL INFANTILE; AMC, DISTAL, X-LINKED; ARTHROGRYPOSIS, X-LINKED, TYPE I; Spinal Muscular Atrophy, X-Linked Infantile. Identifiers: Orphanet 1145, MedGen C1844934, MONDO:0010532, OMIM 301830.

Allele frequency attached by ClinVar (database versions not stated): gnomAD exomes below 0.00001 and 0.00001; gnomAD 0.00002; TOPMed 0.00002.
gnomAD v4.1: 7 of 1,208,608 alleles (0.00058%); highest among the groups gnomAD compares: Non-Finnish European, 0.00067%; no homozygotes.

Submissions (2):

Labcorp Genetics (formerly Invitae), Labcorp
Classification: Uncertain significance for Infantile-onset X-linked spinal muscular atrophy. Last evaluated: 2023-04-24. Review status: criteria provided, single submitter. Criteria: Invitae Variant Classification Sherloc (09022015). Collection method: clinical testing. Allele origin: germline.
Comment: In summary, the available evidence is currently insufficient to determine the role of this variant in disease. Therefore, it has been classified as a Variant of Uncertain Significance. Algorithms developed to predict the effect of sequence changes on RNA splicing suggest that this variant may create or strengthen a splice site. An algorithm developed to predict the effect of missense changes on protein structure and function (PolyPhen-2) suggests that this variant is likely to be tolerated. ClinVar contains an entry for this variant (Variation ID: 501333). This variant has not been reported in the literature in individuals affected with UBA1-related conditions. The frequency data for this variant in the population databases is considered unreliable, as metrics indicate poor data quality at this position in the gnomAD database. This sequence change replaces serine, which is neutral and polar, with asparagine, which is neutral and polar, at codon 293 of the UBA1 protein (p.Ser293Asn).

Eurofins Ntd Llc (ga)
Classification: Uncertain significance. Last evaluated: 2017-04-10. Review status: criteria provided, single submitter. Criteria: EGL Classification Definitions 2015. Collection method: clinical testing. Allele origin: germline. Observed: 1 variant allele, 1 hemizygote.

NM_003334.4(UBA1):c.878G>A (p.Ser293Asn)

Gene: UBA1 (ubiquitin like modifier activating enzyme 1; plus strand). Cytogenetic location: Xp11.3.
Variant type: single nucleotide variant.
Coding change: c.878G>A on transcript NM_003334.4 (MANE Select); coding-DNA position 878, G replaced by A.
Protein change: p.Ser293Asn; replaces serine 293 with asparagine.
Molecular consequence: missense variant.
Genome position (GRCh38, 1-based): chrX:47,202,222, G>A. VCF-style: chrX-47202222-G-A. GRCh37 (hg19) VCF-style: chrX-47061621-G-A.
Other names: c.878G>A, p.Ser293Asn (NM_153280.3); short protein forms S293N.
Identifiers: ClinVar variation 501333 (VCV000501333.14), dbSNP rs1365209491, ClinGen allele CA412794731.